The following is an entry in ClinVar:

ClinVar aggregate classification (germline): Uncertain significance. Review status: criteria provided, multiple submitters, no conflicts (2 of 4 stars). 2 submissions from 2 submitters: Uncertain significance (2). Last evaluated 2023-12-12.

Conditions:
Rubinstein-Taybi syndrome (RSTS). Identifiers: Orphanet 783, MedGen C0035934, MONDO:0019188.

gnomAD v4.1: 5 of 1,613,666 alleles (0.00031%); highest among the groups gnomAD compares: Admixed American, 0.0017%; no homozygotes.

Submissions (2):

Labcorp Genetics (formerly Invitae), Labcorp
Classification: Uncertain significance for Rubinstein-Taybi syndrome. Last evaluated: 2023-12-12. Review status: criteria provided, single submitter. Criteria: Invitae Variant Classification Sherloc (09022015). Collection method: clinical testing. Allele origin: germline.
Comment: This sequence change replaces alanine, which is neutral and non-polar, with threonine, which is neutral and polar, at codon 1671 of the CREBBP protein (p.Ala1671Thr). This variant is not present in population databases (gnomAD no frequency). This variant has not been reported in the literature in individuals affected with CREBBP-related conditions. ClinVar contains an entry for this variant (Variation ID: 1176642). Advanced modeling of protein sequence and biophysical properties (such as structural, functional, and spatial information, amino acid conservation, physicochemical variation, residue mobility, and thermodynamic stability) performed at Invitae indicates that this missense variant is expected to disrupt CREBBP protein function with a positive predictive value of 95%. In summary, the available evidence is currently insufficient to determine the role of this variant in disease. Therefore, it has been classified as a Variant of Uncertain Significance.

CeGaT Center for Human Genetics Tuebingen
Classification: Uncertain significance. Last evaluated: 2021-06-01. Review status: criteria provided, single submitter. Criteria: CeGaT Center For Human Genetics Tuebingen Variant Classification Criteria Version 2. Collection method: clinical testing. Allele origin: germline. Affected: yes. Observed: 2 variant alleles.

NM_004380.3(CREBBP):c.5011G>A (p.Ala1671Thr)

Gene: CREBBP (CREB binding lysine acetyltransferase; minus strand). Cytogenetic location: 16p13.3.
Variant type: single nucleotide variant.
Coding change: c.5011G>A on transcript NM_004380.3 (MANE Select); coding-DNA position 5011, G replaced by A.
Protein change: p.Ala1671Thr; replaces alanine 1671 with threonine.
Molecular consequence: missense variant.
Genome position (GRCh38, 1-based): chr16:3,731,353, C>T on the plus strand (G>A on the coding strand, the complement: CREBBP is on the minus strand). VCF-style: chr16-3731353-C-T. GRCh37 (hg19) VCF-style: chr16-3781354-C-T.
Other names: c.4897G>A, p.Ala1633Thr (NM_001079846.1); short protein forms A1633T, A1671T.
Identifiers: ClinVar variation 1176642 (VCV001176642.38), dbSNP rs2151316910, ClinGen allele CA394558697.
Genomic context (GRCh38, chr16:3,731,353, plus strand): 5'-TGCAGAGCGTGGACCACTTGGAGCGGCGCAAGGAGGAGAACTCCCAGTGCTTGTCTCTGG[C>T]GAGGGTGAGGAAGGCGTCGCGCCCATCCATGAGGTCACAGCTGAGCAGGGGGTCGGGGTC-3'
Protein context (NP_004371.2, residues 1661-1681): MDGRDAFLTL[Ala1671Thr]RDKHWEFSSL